The following is an entry in ClinVar:

ClinVar aggregate classification (germline): Likely benign (1 of 4 stars; one submission).

Submission:

CeGaT Center for Human Genetics Tuebingen
Classification: Likely benign. Last evaluated: 2026-03-01. Review status: criteria provided, single submitter. Criteria: CeGaT Center For Human Genetics Tuebingen Variant Classification Criteria Version 2. Collection method: clinical testing. Allele origin: germline. Affected: yes. Observed: 1 variant allele.
Comment: SCO2: PM2:Supporting, BP4, BP7

NM_005138.3(SCO2):c.69T>A (p.Pro23=)

Genes: NCAPH2 (non-SMC condensin II complex subunit H2; plus strand), SCO2 (synthesis of cytochrome C oxidase 2; minus strand). Cytogenetic location: 22q13.33.
Variant type: single nucleotide variant.
Coding change: c.69T>A on transcript NM_005138.3 (MANE Select); coding-DNA position 69, T replaced by A.
Protein change: p.Pro23=; no amino-acid change (proline 23 retained).
Molecular consequence: synonymous variant. On other transcripts: 3 prime UTR variant (2).
Genome position (GRCh38, 1-based): chr22:50,524,343, A>T on the plus strand (T>A on the coding strand, the complement: SCO2 is on the minus strand). VCF-style: chr22-50524343-A-T. GRCh37 (hg19) VCF-style: chr22-50962772-A-T.
Other names: c.*968A>T (NM_001185011.2, NM_152299.4); c.69T>A, p.Pro23= (NM_001169109.2, NM_001169110.1, NM_001169111.2).
Identifiers: ClinVar variation 4821675 (VCV004821675.4).